The following is an entry in ClinVar:

ClinVar aggregate classification (germline): Uncertain significance (1 of 4 stars; one submission).

gnomAD v4.1: 2 of 1,613,878 alleles (0.00012%); highest among the groups gnomAD compares: African/African-American, 0.0013%; no homozygotes.

Submission:

Labcorp Genetics (formerly Invitae), Labcorp
Classification: Uncertain significance. Last evaluated: 2024-03-12. Review status: criteria provided, single submitter. Criteria: Invitae Variant Classification Sherloc (09022015). Collection method: clinical testing. Allele origin: germline.
Comment: This sequence change replaces asparagine, which is neutral and polar, with serine, which is neutral and polar, at codon 1695 of the MPDZ protein (p.Asn1695Ser). This variant is not present in population databases (gnomAD no frequency). This variant has not been reported in the literature in individuals affected with MPDZ-related conditions. Algorithms developed to predict the effect of missense changes on protein structure and function output the following: SIFT: "Not Available"; PolyPhen-2: "Benign"; Align-GVGD: "Not Available". The serine amino acid residue is found in multiple mammalian species, which suggests that this missense change does not adversely affect protein function. In summary, the available evidence is currently insufficient to determine the role of this variant in disease. Therefore, it has been classified as a Variant of Uncertain Significance.

NM_001378778.1(MPDZ):c.5084A>G (p.Asn1695Ser)

Gene: MPDZ (multiple PDZ domain crumbs cell polarity complex component; minus strand). Cytogenetic location: 9p23.
Variant type: single nucleotide variant.
Coding change: c.5084A>G on transcript NM_001378778.1 (MANE Select); coding-DNA position 5084, A replaced by G.
Protein change: p.Asn1695Ser; replaces asparagine 1695 with serine.
Molecular consequence: missense variant.
Genome position (GRCh38, 1-based): chr9:13,121,886, T>C on the plus strand (A>G on the coding strand, the complement: MPDZ is on the minus strand). VCF-style: chr9-13121886-T-C. GRCh37 (hg19) VCF-style: chr9-13121885-T-C.
Other names: c.4874A>G, p.Asn1625Ser (NM_001375423.1, NM_001375424.1, NM_001375425.1 and 4 more transcripts); c.4676A>G, p.Asn1559Ser (NM_001375427.1); c.5084A>G, p.Asn1695Ser (NM_003829.5, NM_001330637.2); c.4985A>G, p.Asn1662Ser (NM_001261406.2, NM_001261407.2, NM_001375416.1 and 3 more transcripts); c.5183A>G, p.Asn1728Ser (NM_001375413.1); short protein forms N1559S, N1625S, N1662S, N1728S, N1695S.
Identifiers: ClinVar variation 3675716 (VCV003675716.2).